The following is an entry in ClinVar:

NM_005862.3(STAG1):c.395-2A>T

Gene: STAG1 (STAG1 cohesin complex component; minus strand). Cytogenetic location: 3q22.3.
Variant type: single nucleotide variant.
Coding change: c.395-2A>T on transcript NM_005862.3 (MANE Select); the canonical splice acceptor site of the intron before coding-DNA position 395, A replaced by T.
Molecular consequence: splice acceptor variant.
Genome position (GRCh38, 1-based): chr3:136,542,197, T>A on the plus strand (A>T on the coding strand, the complement: STAG1 is on the minus strand). VCF-style: chr3-136542197-T-A. GRCh37 (hg19) VCF-style: chr3-136261039-T-A.
Identifiers: ClinVar variation 3772689 (VCV003772689.1).
Genomic context (GRCh38, chr3:136,542,197, plus strand): 5'-CATTTTTCTGATGATTTCTGCATTCTGCATATTTCGAAACATCTCTATTCTCACAGTACC[T>A]GTGGAACAACAGATTTTACATTAATCTTTCAATTAATCTTTCAGATCAATTTCCACTCTC-3'

ClinVar aggregate classification (germline): Pathogenic (1 of 4 stars; one submission).

Conditions:
Intellectual developmental disorder, autosomal dominant 47. Also called: MENTAL RETARDATION, AUTOSOMAL DOMINANT 47; Intellectual disability, autosomal dominant 47. Identifiers: Orphanet 502434, MedGen C4539951, MONDO:0030912, OMIM 617635.

Submission:

Center for Medical Genetics Ghent, University of Ghent
Classification: Pathogenic for Intellectual developmental disorder, autosomal dominant 47. Last evaluated: 2025-03-13. Review status: criteria provided, single submitter. Criteria: ACMG Guidelines, 2015. Collection method: clinical testing. Allele origin: paternal. Affected: yes.
Comment: PM2, PVS1 RNA-sequencing was performed on PBMCs and showed exon 6 skip. This is believed to result in a frameshift.